The following is an entry in ClinVar:

ClinVar aggregate classification (germline): Uncertain significance (1 of 4 stars; one submission).

Conditions:
Neurofibromatosis, type 1 (NF1). Also called: VON RECKLINGHAUSEN DISEASE; Peripheral type neurofibromatosis; NEUROFIBROMATOSIS, TYPE I, SOMATIC; Neurofibromatosis, type I. Identifiers: Orphanet 636, MedGen C0027831, MONDO:0018975, OMIM 162200. Disease mechanism: loss of function.

Submission:

Labcorp Genetics (formerly Invitae), Labcorp
Classification: Uncertain significance for Neurofibromatosis, type 1. Last evaluated: 2024-11-07. Review status: criteria provided, single submitter. Criteria: Invitae Variant Classification Sherloc (09022015). Collection method: clinical testing. Allele origin: germline.
Comment: This sequence change replaces arginine, which is basic and polar, with serine, which is neutral and polar, at codon 1130 of the NF1 protein (p.Arg1130Ser). This variant is not present in population databases (gnomAD no frequency). This variant has not been reported in the literature in individuals affected with NF1-related conditions. Invitae Evidence Modeling of protein sequence and biophysical properties (such as structural, functional, and spatial information, amino acid conservation, physicochemical variation, residue mobility, and thermodynamic stability) has been performed for this missense variant. However, the output from this modeling did not meet the statistical confidence thresholds required to predict the impact of this variant on NF1 protein function. In summary, the available evidence is currently insufficient to determine the role of this variant in disease. Therefore, it has been classified as a Variant of Uncertain Significance.

NM_001042492.3(NF1):c.3390G>C (p.Arg1130Ser)

Gene: NF1 (neurofibromin 1; plus strand). Cytogenetic location: 17q11.2.
Variant type: single nucleotide variant.
Coding change: c.3390G>C on transcript NM_001042492.3 (MANE Select); coding-DNA position 3390, G replaced by C.
Protein change: p.Arg1130Ser; replaces arginine 1130 with serine.
Molecular consequence: missense variant.
Genome position (GRCh38, 1-based): chr17:31,232,775, G>C. VCF-style: chr17-31232775-G-C. GRCh37 (hg19) VCF-style: chr17-29559793-G-C.
Other names: c.3390G>C, p.Arg1130Ser (NM_000267.4); short protein forms R1130S.
Identifiers: ClinVar variation 3634532 (VCV003634532.2).